The following is an entry in ClinVar:

ClinVar aggregate classification (germline): Uncertain significance (1 of 4 stars; one submission).

Conditions:
Autoimmune disease, susceptibility to, 6. Identifiers: MedGen C3150797, MONDO:0013303, OMIM 613551.

Submission:

Juno Genomics, Hangzhou Juno Genomics, Inc
Classification: Uncertain significance for Autoimmune disease, susceptibility to, 6. Review status: criteria provided, single submitter. Criteria: ACMG Guidelines, 2015. Collection method: clinical testing. Allele origin: germline.
Comment: Absent from controls (or at extremely low frequency if recessive) in Genome Aggregation Database.;Multiple lines of computational evidence support a deleterious effect on the gene or gene product.

NM_170601.5(SIAE):c.355G>T (p.Asp119Tyr)

Gene: SIAE (sialic acid acetylesterase; minus strand). Cytogenetic location: 11q24.2.
Variant type: single nucleotide variant.
Coding change: c.355G>T on transcript NM_170601.5 (MANE Select); coding-DNA position 355, G replaced by T.
Protein change: p.Asp119Tyr; replaces aspartic acid 119 with tyrosine.
Molecular consequence: missense variant.
Genome position (GRCh38, 1-based): chr11:124,660,678, C>A on the plus strand (G>T on the coding strand, the complement: SIAE is on the minus strand). VCF-style: chr11-124660678-C-A. GRCh37 (hg19) VCF-style: chr11-124530574-C-A.
Other names: c.250G>T, p.Asp84Tyr (NM_001199922.2); short protein forms D119Y, D84Y.
Identifiers: ClinVar variation 5007810 (VCV005007810.2).